The following is an entry in ClinVar:

NM_004035.7(ACOX1):c.286C>T (p.Arg96Trp)

Gene: ACOX1 (acyl-CoA oxidase 1; minus strand). Cytogenetic location: 17q25.1.
Variant type: single nucleotide variant.
Coding change: c.286C>T on transcript NM_004035.7 (MANE Select); coding-DNA position 286, C replaced by T.
Protein change: p.Arg96Trp; replaces arginine 96 with tryptophan.
Molecular consequence: missense variant. On other transcripts: intron variant (1).
Genome position (GRCh38, 1-based): chr17:75,960,359, G>A on the plus strand (C>T on the coding strand, the complement: ACOX1 is on the minus strand). VCF-style: chr17-75960359-G-A. GRCh37 (hg19) VCF-style: chr17-73956440-G-A.
Other names: c.172C>T, p.Arg58Trp (NM_001185039.2); c.431-2793C>T (NM_007292.6); short protein forms R58W, R96W.
Identifiers: ClinVar variation 2168712 (VCV002168712.1), dbSNP rs778990956, ClinGen allele CA8777052.

ClinVar aggregate classification (germline): Uncertain significance (1 of 4 stars; one submission).

Conditions:
Acyl-CoA oxidase deficiency. Also called: STRAIGHT-CHAIN ACYL-CoA OXIDASE DEFICIENCY; Pseudoneonatal adrenoleukodystrophy; Peroxisomal acyl-CoA oxidase deficiency. Identifiers: Orphanet 2971, MedGen C1849678, MONDO:0009919, OMIM 264470. Disease mechanism: loss of function.

Allele frequency attached by ClinVar (database versions not stated): TOPMed 0.00002; gnomAD exomes 0.00004; ExAC 0.00005; gnomAD 0.00005.

Submission:

Labcorp Genetics (formerly Invitae), Labcorp
Classification: Uncertain significance for Acyl-CoA oxidase deficiency. Last evaluated: 2022-09-23. Review status: criteria provided, single submitter. Criteria: Invitae Variant Classification Sherloc (09022015). Collection method: clinical testing. Allele origin: germline.
Comment: This sequence change replaces arginine, which is basic and polar, with tryptophan, which is neutral and slightly polar, at codon 96 of the ACOX1 protein (p.Arg96Trp). This variant is present in population databases (rs778990956, gnomAD 0.006%). This variant has not been reported in the literature in individuals affected with ACOX1-related conditions. Advanced modeling of protein sequence and biophysical properties (such as structural, functional, and spatial information, amino acid conservation, physicochemical variation, residue mobility, and thermodynamic stability) performed at Invitae indicates that this missense variant is expected to disrupt ACOX1 protein function. In summary, the available evidence is currently insufficient to determine the role of this variant in disease. Therefore, it has been classified as a Variant of Uncertain Significance.